The following is an entry in ClinVar:

ClinVar aggregate classification (germline): Likely pathogenic (1 of 4 stars; one submission).

Conditions:
ABCB4-related disorder. Also called: ABCB4-related disorders; ABCB4-related condition.

Submission:

PreventionGenetics, part of Exact Sciences
Classification: Likely pathogenic for ABCB4-related condition. Last evaluated: 2026-05-11. Review status: criteria provided, single submitter. Criteria: ACMG Guidelines, 2015. Collection method: clinical testing. Allele origin: germline.
Comment: The ABCB4 c.2924+2T>C variant is predicted to disrupt the GT donor site and interfere with normal splicing. To our knowledge, this variant has not been reported in the literature or in a large population database (gnomAD), indicating this variant is rare. Variants that disrupt the consensus splice donor site in ABCB4 are expected to be pathogenic. This variant is interpreted as likely pathogenic.

NM_000443.4(ABCB4):c.2924+2T>C

Gene: ABCB4 (ATP binding cassette subfamily B member 4; minus strand). Cytogenetic location: 7q21.12.
Variant type: single nucleotide variant.
Coding change: c.2924+2T>C on transcript NM_000443.4 (MANE Select); the canonical splice donor site of the intron after coding-DNA position 2924, T replaced by C.
Molecular consequence: splice donor variant. On other transcripts: intron variant (1).
Genome position (GRCh38, 1-based): chr7:87,411,891, A>G on the plus strand (T>C on the coding strand, the complement: ABCB4 is on the minus strand). VCF-style: chr7-87411891-A-G. GRCh37 (hg19) VCF-style: chr7-87041207-A-G.
Other names: c.2783+1726T>C (NM_018850.3); c.2924+2T>C (NM_018849.3).
Identifiers: ClinVar variation 4987431 (VCV004987431.1).
Genomic context (GRCh38, chr7:87,411,891, plus strand): 5'-TTTTGCATAAACCTACTAAAACCTTATTATAGAATAATCTTAATATTTCTAAAGCTACTT[A>G]CAGAATAACATCTCTGAAGCGCATATGTCCATTCACAATGAGATATGCACCAAATCGAAA-3'